The following is an entry in ClinVar:

ClinVar aggregate classification (germline): Uncertain significance (1 of 4 stars; one submission).

Submission:

Women's Health and Genetics/Laboratory Corporation of America, LabCorp
Classification: Uncertain significance. Last evaluated: 2025-10-14. Review status: criteria provided, single submitter. Criteria: LabCorp Variant Classification Summary - May 2015. Collection method: clinical testing. Allele origin: germline.
Comment: Variant summary: SCAF4 c.2956_2958delGAT (p.Asp986del) results in an in-frame deletion that is predicted to remove one amino acids from the encoded protein. The variant was absent in 251476 control chromosomes. The available data on variant occurrences in the general population are insufficient to allow any conclusion about variant significance. To our knowledge, no occurrence of c.2956_2958delGAT in individuals affected with SCAF4-related conditions and no experimental evidence demonstrating its impact on protein function have been reported. No submitters have cited clinical-significance assessments for this variant to ClinVar. Based on the evidence outlined above, the variant was classified as uncertain significance.

NM_020706.2(SCAF4):c.2956_2958del (p.Asp986del)

Gene: SCAF4 (SR-related CTD associated factor 4; minus strand). Cytogenetic location: 21q22.11.
Variant type: Deletion.
Coding change: c.2956_2958del on transcript NM_020706.2 (MANE Select); coding-DNA positions 2956 to 2958, 3 bases deleted (GAT; older notation c.2956_2958delGAT).
Protein change: p.Asp986del; deletes aspartic acid 986.
Genome position (GRCh38, 1-based): chr21:31,671,885-31,671,887, ATC deleted on the plus strand (GAT on the coding strand, the reverse complement: SCAF4 is on the minus strand); deleting any 3 consecutive bases within chr21:31,671,885-31,671,889 gives the same sequence; the c. name uses the placement nearest the transcript's 3' end. VCF-style (leftmost placement, unchanged base first): chr21-31671884-TATC-T. GRCh37 (hg19) VCF-style: chr21-33044197-TATC-T.
Other names: c.2911_2913del, p.Asp971del (NM_001145444.1); c.2890_2892del, p.Asp964del (NM_001145445.1); c.2956_2958delGAT (NM_020706.2); short protein forms D964del, D971del, D986del.
Identifiers: ClinVar variation 4687310 (VCV004687310.1).